The following is an entry in ClinVar:

NM_000203.5(IDUA):c.87del (p.His30fs)

Genes: IDUA (alpha-L-iduronidase; plus strand), SLC26A1 (solute carrier family 26 member 1; minus strand). Cytogenetic location: 4p16.3.
Variant type: Deletion.
Coding change: c.87del on transcript NM_000203.5 (MANE Select); coding-DNA position 87, one base deleted (G; older notation c.87delG).
Protein change: p.His30fs; shifts the reading frame from histidine 30.
Molecular consequence: frameshift variant. On other transcripts: non-coding transcript variant (1), intron variant (1).
Genome position (GRCh38, 1-based): chr4:987,171, G deleted. VCF-style (leftmost placement, unchanged base first): chr4-987170-CG-C. GRCh37 (hg19) VCF-style: chr4-980958-CG-C.
Other names: c.576+3957del (NM_134425.4); short protein forms H30fs.
Identifiers: ClinVar variation 1072941 (VCV001072941.7), dbSNP rs1193085446, ClinGen allele CA800603661.

ClinVar aggregate classification (germline): Pathogenic/Likely pathogenic. Review status: criteria provided, multiple submitters, no conflicts (2 of 4 stars). 2 submissions from 2 submitters: Pathogenic (1); Likely pathogenic (1). Last evaluated 2024-12-27.

Conditions:
Mucopolysaccharidosis type 1. Also called: IDUA deficiency; MPS I; Mucopolysaccharidosis Type I. Identifiers: Orphanet 579, MedGen C0023786, MONDO:0001586.

Allele frequency attached by ClinVar (database versions not stated): TOPMed below 0.00001; gnomAD 0.00001.

Submissions (2):

Natera, Inc.
Classification: Likely pathogenic for Mucopolysaccharidosis type I. Last evaluated: 2024-12-27. Review status: criteria provided, single submitter. Criteria: Natera Variant Classification Schema (03/2026). Collection method: clinical testing. Allele origin: germline.
Comment: The c.87delG variant in IDUA is a frameshift variant predicted to shift the reading frame beginning at codon 30 and leads to a stop codon 78 codons downstream. This variant is expected to result in nonsense mediated decay, truncation, or a dysfunctional protein product. This variant is rare in the general population with a frequency below the threshold expected for the associated phenotype(s). Given the available evidence, this variant is classified as Likely Pathogenic.

Labcorp Genetics (formerly Invitae), Labcorp
Classification: Pathogenic for Mucopolysaccharidosis type 1. Last evaluated: 2022-09-19. Review status: criteria provided, single submitter. Criteria: Invitae Variant Classification Sherloc (09022015). Collection method: clinical testing. Allele origin: germline.
Comment: For these reasons, this variant has been classified as Pathogenic. ClinVar contains an entry for this variant (Variation ID: 1072941). This variant has not been reported in the literature in individuals affected with IDUA-related conditions. This variant is not present in population databases (gnomAD no frequency). This sequence change creates a premature translational stop signal (p.His30Thrfs*78) in the IDUA gene. It is expected to result in an absent or disrupted protein product. Loss-of-function variants in IDUA are known to be pathogenic (PMID: 11735025, 21480867).

Literature cited by the submitters: PubMed 11735025 (cited by Labcorp Genetics (formerly Invitae), Labcorp); PubMed 21480867 (cited by Labcorp Genetics (formerly Invitae), Labcorp).